The following is an entry in ClinVar:

ClinVar aggregate classification (germline): Uncertain significance. Review status: reviewed by expert panel (3 of 4 stars). 9 submissions from 9 submitters: Uncertain significance (1). 8 of the submissions do not count toward it. Last evaluated 2024-02-27.

Conditions:
Very long chain acyl-CoA dehydrogenase deficiency (ACADVLD). Also called: Very Long-Chain Acyl-Coenzyme A Dehydrogenase Deficiency; VLCAD Deficiency. Identifiers: Orphanet 26793, MedGen C3887523, MONDO:0008723, OMIM 201475.

Submissions (9):

ClinGen ACADVL Variant Curation Expert Panel, ClinGen
Classification: Uncertain significance for Very long chain acyl-CoA dehydrogenase deficiency. Last evaluated: 2024-02-27. Review status: reviewed by expert panel. Criteria: clingen acadvl acmg specifications v1. Collection method: curation. Allele origin: germline. Inheritance: Autosomal recessive inheritance.
Comment: The NM_000018.4 c.507_527del (p.Met169_Gly175del) variant in ACADVL is an in-frame deletion (removes amino acids Met169_Gly175) in exon7/20 that is not predicted to impact splicing (SpliceAI: 0.0200). The highest population minor allele frequency in gnomAD v4.0.0 is 0.0001 in Middle Eastern population, which is lower than the ClinGen ACADVL Variant Curation Expert Panel threshold (<0.001) for PM2_Supporting, meeting this criterion (PM2_Supporting). The c.507_527del variant is predicted to cause a change in the length of the protein (p. Met169_Gly175del) due to an in-frame deletion of seven amino acids in a non-repeat region (PM4). This variant is reported in the literature in two individuals affected with very long-chain acyl-CoA dehydrogenase deficiency in a heterozygous fashion, who displayed elevated C14:1 carnitine level (0.8 and 1.14 µmol/L, respectively) during newborn screening and reduced VLCAD enzyme levels in the latter one of them, which is highly specific for VLCAD deficiency (PP4_Moderate, PMID: 31031081). Due to limited evidence, this variant is classified as a variant of uncertain significance for autosomal recessive very long chain acyl-CoA dehydrogenase (VLCAD) deficiency based on the ACMG/AMP criteria applied, as specified by the ClinGen ACADVL Variant Curation Expert Panel: PM2_Supporting, PM4, PP4_Moderate (ACADVL VCEP specifications version 1; approved November 9, 2021).

Myriad Genetics, Inc.
Classification: Likely pathogenic for Very long chain acyl-CoA dehydrogenase deficiency. Last evaluated: 2025-06-30. Review status: criteria provided, single submitter. Criteria: Myriad Autosomal Dominant, Autosomal Recessive and X-Linked Classification Criteria (2023). Collection method: clinical testing. Allele origin: unknown. Not counted in ClinVar's aggregate classification.
Comment: NM_000018.3(ACADVL):c.507_527del21(M169_G175del) is an in-frame deletion classified as likely pathogenic in the context of very-long-chain acyl-CoA dehydrogenase deficiency. M169_G175del has been observed in cases with relevant disease (PMID: 31031081, Aljishi_2019_(Article)). Relevant functional assessments of this variant are not available in the literature. Internal structural analysis of the variant is supportive of pathogenicity. M169_G175del has been observed in referenced population frequency databases. In summary, NM_000018.3(ACADVL):c.507_527del21(M169_G175del) is an in-frame deletion that has internal structural support for pathogenicity and has been observed more frequently in cases with the relevant disease than in healthy populations. Please note: this variant was assessed in the context of healthy population screening.

Labcorp Genetics (formerly Invitae), Labcorp
Classification: Pathogenic for Very long chain acyl-CoA dehydrogenase deficiency. Last evaluated: 2024-03-14. Review status: criteria provided, single submitter. Criteria: Invitae Variant Classification Sherloc (09022015). Collection method: clinical testing. Allele origin: germline. Not counted in ClinVar's aggregate classification.
Comment: This variant, c.507_527del, results in the deletion of 7 amino acid(s) of the ACADVL protein (p.Met169_Gly175del), but otherwise preserves the integrity of the reading frame. This variant is present in population databases (rs749299152, gnomAD 0.0009%). This variant has been observed in individual(s) with VLCAD deficiency (PMID: 31031081; Invitae; https//). In at least one individual the data is consistent with being in trans (on the opposite chromosome) from a pathogenic variant. ClinVar contains an entry for this variant (Variation ID: 203597). This variant disrupts the p.Val174 amino acid residue in ACADVL. Other variant(s) that disrupt this residue have been determined to be pathogenic (PMID: 17999356, 18670371, 23430950, 26881790). This suggests that this residue is clinically significant, and that variants that disrupt this residue are likely to be disease-causing. For these reasons, this variant has been classified as Pathogenic.

Revvity Omics, Revvity
Classification: Uncertain significance for Very long chain acyl-CoA dehydrogenase deficiency. Last evaluated: 2024-02-07. Review status: criteria provided, single submitter. Criteria: ACMG Guidelines, 2015. Collection method: clinical testing. Allele origin: germline. Not counted in ClinVar's aggregate classification.

Baylor Genetics
Classification: Likely pathogenic for Very long chain acyl-CoA dehydrogenase deficiency. Last evaluated: 2023-11-09. Review status: criteria provided, single submitter. Criteria: ACMG Guidelines, 2015. Collection method: clinical testing. Allele origin: unknown. Not counted in ClinVar's aggregate classification.

HudsonAlpha Institute for Biotechnology
Classification: Likely pathogenic for Very long chain acyl-CoA dehydrogenase deficiency. Last evaluated: 2021-04-26. Review status: criteria provided, single submitter. Criteria: ACMG Guidelines, 2015. Collection method: research. Allele origin: inherited. Affected: yes. Observed: 1 variant allele. Study: CSER-SouthSeq. Not counted in ClinVar's aggregate classification.
Comment: ACMG codes:PM1, PM2, PM4

ARUP Laboratories, Molecular Genetics and Genomics, ARUP Laboratories
Classification: Uncertain significance for Very long chain acyl-CoA dehydrogenase deficiency. Last evaluated: 2020-02-06. Review status: criteria provided, single submitter. Criteria: ARUP Molecular Germline Variant Investigation Process. Collection method: clinical testing. Allele origin: germline. Not counted in ClinVar's aggregate classification.
Comment: The ACADVL c.507_527del21; p.Met169_Gly175del variant (rs1387074573) is reported in the literature in the heterozygous state in individuals affected with very long-chain acyl-CoA dehydrogenase deficiency (Rovelli 2019). This variant is reported in ClinVar (Variation ID: 203597), and is only observed on one allele in the Genome Aggregation Database, indicating it is not a common polymorphism. This variant deletes seven amino acid residues leaving the rest of the protein in-frame. Without functional studies, the effect on the protein is unknown. Due to limited information, the clinical significance of the p.Met169_Gly175del variant is uncertain at this time. References: Rovelli V et al. Clinical and biochemical outcome of patients with very long-chain acyl-CoA dehydrogenase deficiency. Mol Genet Metab. 2019 May;127(1):64-73.

Wong Mito Lab, Molecular and Human Genetics, Baylor College of Medicine
Classification: Uncertain significance for Very long chain acyl-CoA dehydrogenase deficiency. Last evaluated: 2019-11-01. Review status: criteria provided, single submitter. Criteria: ACMG Guidelines, 2015. Collection method: clinical testing. Allele origin: germline. Not counted in ClinVar's aggregate classification.
Comment: The NM_000018.3:c.507_527del21 (NP_000009.1:p.Met169_Gly175del) [GRCH38: NC_000017.11:g.7221567_7221587del] variant in ACADVL gene is interpretated to be Uncertain Significance based on ACMG guidelines (PMID: 25741868). This variant has been reported. This variant dose not meet any evidence codes reported in the ACMG guidelines.

GeneDx
Classification: Pathogenic. Last evaluated: 2014-09-23. Review status: criteria provided, single submitter. Criteria: GeneDx Variant Classification (06012015). Collection method: clinical testing. Allele origin: germline. Affected: yes. Not counted in ClinVar's aggregate classification.
Comment: The c.507_527delGCATGACCTTGGCGTGGGCAT mutation causes an in-frame deletion of 7 amino acids starting at Methionine 169 and ending with Glycine 175, denoted Met169_Gly175del. This deletion occurs within a a region that is conserved in mammals and includes residues that are conserved across species. Missense mutations in this region (V174A, V174M) have been reported in association with very long chain acyl-CoA dehydrogenase (VLCAD) deficiency, supporting the functional importance of this region of the protein. Although this mutation has not been previously reported to our knowledge, we interpret c.507_527delGCATGACCTTGGCGTGGGCAT to be a pathogenic mutation. The variant is found in ACADVL panel(s).

Literature cited by the submitters: PubMed 31031081 (cited by Labcorp Genetics (formerly Invitae), Labcorp); PubMed 17999356 (cited by Labcorp Genetics (formerly Invitae), Labcorp); PubMed 18670371 (cited by Labcorp Genetics (formerly Invitae), Labcorp); PubMed 23430950 (cited by Labcorp Genetics (formerly Invitae), Labcorp); PubMed 26881790 (cited by Labcorp Genetics (formerly Invitae), Labcorp); https// (cited by Labcorp Genetics (formerly Invitae), Labcorp).

NM_000018.4(ACADVL):c.507_527del (p.Met169_Gly175del)

Gene: ACADVL (acyl-CoA dehydrogenase very long chain; plus strand). Cytogenetic location: 17p13.1.
Variant type: Deletion.
Coding change: c.507_527del on transcript NM_000018.4 (MANE Select); coding-DNA positions 507 to 527, 21 bases deleted (GCATGACCTTGGCGTGGGCAT).
Protein change: p.Met169_Gly175del.
Molecular consequence: inframe deletion.
Genome position (GRCh38, 1-based): chr17:7,221,567-7,221,587, GCATGACCTTGGCGTGGGCAT deleted; deleting any 21 consecutive bases within chr17:7,221,558-7,221,587 gives the same sequence; the c. name uses the placement nearest the transcript's 3' end. VCF-style (leftmost placement, unchanged base first): chr17-7221557-TCGTGGGCATGCATGACCTTGG-T. GRCh37 (hg19) VCF-style: chr17-7124876-TCGTGGGCATGCATGACCTTGG-T.
Other names: NM_000018.4(ACADVL):c.507_527del; p.Met169_Gly175del; c.441_461del, p.Met147_Gly153del (NM_001033859.3); c.576_596del, p.Met192_Gly198del (NM_001270447.2); c.279_299del, p.Met93_Gly99del (NM_001270448.2).
Identifiers: ClinVar variation 203597 (VCV000203597.24), dbSNP rs796051920, ClinGen allele CA312294.
Genomic context (GRCh38, chr17:7,221,557, plus strand): 5'-CTGCAGCCAGTGACAACCCCAGATTCCTGCTTCCCCTCCAGTACGCCCGTTTGGTGGAGA[TCGTGGGCATGCATGACCTTGG>T]CGTGGGCATTACCCTGGGGGCCCATCAGAGCATCGGTTTCAAAGGCATCCTGCTCTTTGG-3'